The following is an entry in ClinVar:

NM_005522.5(HOXA1):c.154C>G (p.Arg52Gly)

Gene: HOXA1 (homeobox A1; minus strand). Cytogenetic location: 7p15.2.
Variant type: single nucleotide variant.
Coding change: c.154C>G on transcript NM_005522.5 (MANE Select); coding-DNA position 154, C replaced by G.
Protein change: p.Arg52Gly; replaces arginine 52 with glycine.
Molecular consequence: missense variant.
Genome position (GRCh38, 1-based): chr7:27,095,759, G>C on the plus strand (C>G on the coding strand, the complement: HOXA1 is on the minus strand). VCF-style: chr7-27095759-G-C. GRCh37 (hg19) VCF-style: chr7-27135378-G-C.
Other names: c.154C>G, p.Arg52Gly (NM_153620.3); short protein forms R52G.
Identifiers: ClinVar variation 1775012 (VCV001775012.2), dbSNP rs1783810919, ClinGen allele CA367069426.
Genomic context (GRCh38, chr7:27,095,759, plus strand): 5'-GGTGGTGGTGGTGGTGGTGGTGGGGCGAACCGATCTGCACCCCCCTGCCCACTAGGAAGC[G>C]GTCGTCGCCGCCGCAACTGTTGGCGCTGACCGCGCACGACTGGAAAGTTGTAATCCTATG-3'
Protein context (NP_005513.2, residues 42-62): VSANSCGGDD[Arg52Gly]FLVGRGVQIG

ClinVar aggregate classification (germline): Uncertain significance (1 of 4 stars; one submission).

Conditions:
Inborn genetic diseases. Identifiers: MedGen C0950123, MeSH D030342.

Submission:

Ambry Genetics
Classification: Uncertain significance for Inborn genetic diseases. Last evaluated: 2020-08-28. Review status: criteria provided, single submitter. Criteria: Ambry Variant Classification Scheme 2023. Collection method: clinical testing. Allele origin: germline.
Comment: The p.R52G variant (also known as c.154C>G), located in coding exon 1 of the HOXA1 gene, results from a C to G substitution at nucleotide position 154. The arginine at codon 52 is replaced by glycine, an amino acid with dissimilar properties. This amino acid position is well conserved in available vertebrate species. In addition, the in silico prediction for this alteration is inconclusive. Since supporting evidence is limited at this time, the clinical significance of this alteration remains unclear.